The following is an entry in ClinVar:

ClinVar aggregate classification (germline): Uncertain significance (1 of 4 stars; one submission).

Allele frequency attached by ClinVar (database versions not stated): gnomAD exomes below 0.00001.
gnomAD v4.1: 3 of 1,614,088 alleles (0.00019%); highest among the groups gnomAD compares: Admixed American, 0.0017%; no homozygotes.

Submission:

Women's Health and Genetics/Laboratory Corporation of America, LabCorp
Classification: Uncertain significance. Last evaluated: 2023-12-20. Review status: criteria provided, single submitter. Criteria: LabCorp Variant Classification Summary - May 2015. Collection method: clinical testing. Allele origin: germline.
Comment: Variant summary: PPP2R5D c.1718C>T (p.Ser573Leu) results in a non-conservative amino acid change in the encoded protein sequence. Four of five in-silico tools predict a damaging effect of the variant on protein function. The variant allele was found at a frequency of 4e-06 in 251418 control chromosomes. The available data on variant occurrences in the general population are insufficient to allow any conclusion about variant significance. To our knowledge, no occurrence of c.1718C>T in individuals affected with Intellectual Disability-Macrocephaly Abnormalities Syndrome and no experimental evidence demonstrating its impact on protein function have been reported. No submitters have cited clinical-significance assessments for this variant to ClinVar after 2014. Based on the evidence outlined above, the variant was classified as uncertain significance.

NM_006245.4(PPP2R5D):c.1718C>T (p.Ser573Leu)

Genes: MEA1 (male-enhanced antigen 1; minus strand), PPP2R5D (protein phosphatase 2 regulatory subunit B'delta; plus strand). Cytogenetic location: 6p21.1.
Variant type: single nucleotide variant.
Coding change: c.1718C>T on transcript NM_006245.4 (MANE Select); coding-DNA position 1718, C replaced by T.
Protein change: p.Ser573Leu; replaces serine 573 with leucine.
Molecular consequence: missense variant. On other transcripts: 3 prime UTR variant (1).
Genome position (GRCh38, 1-based): chr6:43,011,195, C>T. VCF-style: chr6-43011195-C-T. GRCh37 (hg19) VCF-style: chr6-42978933-C-T.
Other names: c.*1275G>A (NM_014623.4); c.1265C>T, p.Ser422Leu (NM_001270476.2); c.1622C>T, p.Ser541Leu (NM_180976.3); c.1400C>T, p.Ser467Leu (NM_180977.3); short protein forms S422L, S467L, S541L, S573L.
Identifiers: ClinVar variation 2691354 (VCV002691354.1), dbSNP rs748219258, ClinGen allele CA138213566.